The following is an entry in ClinVar:

ClinVar aggregate classification (germline): Uncertain significance (1 of 4 stars; one submission).

Conditions:
Autosomal recessive distal spinal muscular atrophy 1. Also called: HMN VI; NEURONOPATHY, SEVERE INFANTILE AXONAL, WITH RESPIRATORY FAILURE; SEVERE INFANTILE AXONAL NEUROPATHY WITH RESPIRATORY FAILURE; SPINAL MUSCULAR ATROPHY, DIAPHRAGMATIC; Spinal muscular atrophy with respiratory distress 1; NEURONOPATHY, DISTAL HEREDITARY MOTOR, HARDING TYPE VI. Identifiers: Orphanet 98920, MedGen C1858517, MONDO:0011436, OMIM 604320.
Charcot-Marie-Tooth disease axonal type 2S. Also called: CHARCOT-MARIE-TOOTH NEUROPATHY, TYPE 2S; CHARCOT-MARIE-TOOTH DISEASE, AXONAL, AUTOSOMAL RECESSIVE, TYPE 2S. Identifiers: Orphanet 443073, MedGen C4015349, MONDO:0014511, OMIM 616155.

Allele frequency attached by ClinVar (database versions not stated): TOPMed below 0.00001; gnomAD 0.00001.

Submission:

Labcorp Genetics (formerly Invitae), Labcorp
Classification: Uncertain significance for Autosomal recessive distal spinal muscular atrophy 1; Charcot-Marie-Tooth disease axonal type 2S. Last evaluated: 2023-09-26. Review status: criteria provided, single submitter. Criteria: Invitae Variant Classification Sherloc (09022015). Collection method: clinical testing. Allele origin: germline.
Comment: In summary, the available evidence is currently insufficient to determine the role of this variant in disease. Therefore, it has been classified as a Variant of Uncertain Significance. Variants that disrupt the consensus splice site are a relatively common cause of aberrant splicing (PMID: 17576681, 9536098). Algorithms developed to predict the effect of sequence changes on RNA splicing suggest that this variant is not likely to affect RNA splicing. This sequence change falls in intron 9 of the IGHMBP2 gene. It does not directly change the encoded amino acid sequence of the IGHMBP2 protein. It affects a nucleotide within the consensus splice site. This variant is not present in population databases (gnomAD no frequency). This variant has not been reported in the literature in individuals affected with IGHMBP2-related conditions.

Literature cited by the submitters: PubMed 17576681; PubMed 9536098.

NM_002180.3(IGHMBP2):c.1418+5G>A

Gene: IGHMBP2 (immunoglobulin mu DNA binding protein 2; plus strand). Cytogenetic location: 11q13.3.
Variant type: single nucleotide variant.
Coding change: c.1418+5G>A on transcript NM_002180.3 (MANE Select); 5 bases into the intron after coding-DNA position 1418, G replaced by A.
Molecular consequence: intron variant.
Genome position (GRCh38, 1-based): chr11:68,933,486, G>A. VCF-style: chr11-68933486-G-A. GRCh37 (hg19) VCF-style: chr11-68700954-G-A.
Identifiers: ClinVar variation 2927194 (VCV002927194.3), dbSNP rs1406241121, ClinGen allele CA679633902.
Genomic context (GRCh38, chr11:68,933,486, plus strand): 5'-ACCATGTACCTTGGGCAGCTCACAGCCCACTCTTCCGTGGCAAGGCACCTCCTGAGGTGA[G>A]TAGCTCGGCACCACCCGCCGCCCCATCCTTCTGCCCTGGCTAATCCTCTGCGTCACCTGT-3'